The following is an entry in ClinVar:

ClinVar aggregate classification (germline): Pathogenic/Likely pathogenic. Review status: criteria provided, multiple submitters, no conflicts (2 of 4 stars). 2 submissions from 2 submitters: Pathogenic (1); Likely pathogenic (1). Last evaluated 2025-06-09.

Conditions:
Early-infantile DEE. Also called: Ohtahara syndrome; Early infantile epileptic encephalopathy with suppression bursts; Early infantile epileptic encephalopathy. Identifiers: Orphanet 1934, MedGen C0393706, MONDO:0800491.
Developmental and epileptic encephalopathy, 7 (DEE7). Also called: KCNQ2-Related Neonatal-Onset Developmental and Epileptic Encephalopathy (NEO-DEE); Early infantile epileptic encephalopathy 7; KCNQ2-Related Neonatal Epileptic Encephalopathy. Identifiers: Orphanet 439218, MedGen C3150986, MONDO:0013387, OMIM 613720.

Submissions (3):

Labcorp Genetics (formerly Invitae), Labcorp
Classification: Pathogenic for Early-infantile DEE. Last evaluated: 2025-06-09. Review status: criteria provided, single submitter. Criteria: Invitae Variant Classification Sherloc (09022015). Collection method: clinical testing. Allele origin: germline.
Comment: This sequence change replaces leucine, which is neutral and non-polar, with proline, which is neutral and non-polar, at codon 292 of the KCNQ2 protein (p.Leu292Pro). This variant is not present in population databases (gnomAD no frequency). This missense change has been observed in individual(s) with early infantile epileptic encephalopathy, epilepsy and/or neurodevelopmental disease (PMID: 29644095, 29655203). In at least one individual the variant was observed to be de novo. ClinVar contains an entry for this variant (Variation ID: 405208). Invitae Evidence Modeling of protein sequence and biophysical properties (such as structural, functional, and spatial information, amino acid conservation, physicochemical variation, residue mobility, and thermodynamic stability) indicates that this missense variant is expected to disrupt KCNQ2 protein function with a positive predictive value of 95%. For these reasons, this variant has been classified as Pathogenic.

Rady Children's Institute for Genomic Medicine, Rady Children's Hospital San Diego
Classification: Likely pathogenic for EPILEPTIC ENCEPHALOPATHY, EARLY INFANTILE, 7. Last evaluated: 2019-01-18. Review status: criteria provided, single submitter. Criteria: ACMG Guidelines, 2015. Collection method: clinical testing. Allele origin: germline. Affected: yes. Observed: 1 variant allele.
Comment: The c.875T>C (p.Leu292Pro) is a missense variant. This variant has not been reported in the literature. However, a variant classified as likely pathogenic has been reported in ClinVar at the same amino acid position. Additionally, this amino acid position lies within an established functional domain in KCNQ2. Multiple established pathogenic variants in KCNQ2 immediately surround position 292 (PMID: 24318194, 26007637). The variant is predicted to be damaging by in silico algorithms and is well conserved through evolution. Based on the combined evidence, this variant is classified as likely pathogenic.

Channelopathy-Associated Epilepsy Research Center
No classification provided (evidence only). Condition: Complex neurodevelopmental disorder. Review status: no classification provided. Collection method: literature only. Allele origin: not applicable. Functional consequence: Severe decrease in peak current, Normal rate of activation, Normal voltage dependence of activation. Not counted in ClinVar's aggregate classification.
ClinVar note: "not provided" was previously submitted as the classification for the variant. However, the classification appeared to be based only on an observation of functional data so it was converted to no classification on 2025-07-30.

Literature cited by the submitters: PubMed 29644095 (cited by Labcorp Genetics (formerly Invitae), Labcorp); PubMed 29655203 (cited by Labcorp Genetics (formerly Invitae), Labcorp); PubMed 35104249 (cited by Channelopathy-Associated Epilepsy Research Center).

NM_172107.4(KCNQ2):c.875T>C (p.Leu292Pro)

Gene: KCNQ2 (potassium voltage-gated channel subfamily Q member 2; minus strand). Cytogenetic location: 20q13.33.
Variant type: single nucleotide variant.
Coding change: c.875T>C on transcript NM_172107.4 (MANE Select); coding-DNA position 875, T replaced by C.
Protein change: p.Leu292Pro; replaces leucine 292 with proline.
Molecular consequence: missense variant.
Genome position (GRCh38, 1-based): chr20:63,439,650, A>G on the plus strand (T>C on the coding strand, the complement: KCNQ2 is on the minus strand). VCF-style: chr20-63439650-A-G. GRCh37 (hg19) VCF-style: chr20-62071003-A-G.
Other names: c.875T>C, p.Leu292Pro (NM_004518.6, NM_172106.3, NM_172108.5 and 1 more transcripts); short protein forms L292P.
Identifiers: ClinVar variation 405208 (VCV000405208.14), dbSNP rs1060500602, ClinGen allele CA16616483.